The following is an entry in ClinVar:

NM_001077365.2(POMT1):c.572C>T (p.Thr191Ile)

Gene: POMT1 (protein O-mannosyltransferase 1; plus strand). Cytogenetic location: 9q34.13.
Variant type: single nucleotide variant.
Coding change: c.572C>T on transcript NM_001077365.2 (MANE Select); coding-DNA position 572, C replaced by T.
Protein change: p.Thr191Ile; replaces threonine 191 with isoleucine.
Molecular consequence: missense variant. On other transcripts: non-coding transcript variant (10).
Genome position (GRCh38, 1-based): chr9:131,509,775, C>T. VCF-style: chr9-131509775-C-T. GRCh37 (hg19) VCF-style: chr9-134385162-C-T.
Other names: c.572C>T (NM_007171.3); c.410C>T, p.Thr137Ile (NM_001077366.2, NM_001353194.2, NM_001353197.2 and 3 more transcripts); c.572C>T, p.Thr191Ile (NM_001136113.2, NM_001353193.2, NM_001374690.1 and 1 more transcripts); c.221C>T, p.Thr74Ile (NM_001136114.2, NM_001353195.2, NM_001353199.2 and 2 more transcripts); c.482C>T, p.Thr161Ile (NM_001353196.2); c.116C>T, p.Thr39Ile (NM_001353200.2, NM_001374695.1); short protein forms T74I, T137I, T39I, T161I, T191I.
Identifiers: ClinVar variation 1491784 (VCV001491784.8), dbSNP rs1344992449, ClinGen allele CA375307196.
Genomic context (GRCh38, chr9:131,509,775, plus strand): 5'-GTCTCCATCTGCTTTGTTTTTATTCCAGCCCTTTTTCTCTGAGCTGGTGGTTCTGGCTAA[C>T]ACTGACAGGGGTCGCTTGTTCCTGTGCAGTGGGGTGAGTTTGAGCCTCTGGTCTTGGGCA-3'
Protein context (NP_001070833.1, residues 181-201): PFSLSWWFWL[Thr191Ile]LTGVACSCAV

ClinVar aggregate classification (germline): Uncertain significance. Review status: criteria provided, multiple submitters, no conflicts (2 of 4 stars). 3 submissions from 3 submitters: Uncertain significance (3). Last evaluated 2025-09-03.

Conditions:
Walker-Warburg congenital muscular dystrophy. Also called: Muscular dystrophy-dystroglycanopathy, type A; Walker-Warburg syndrome. Identifiers: Orphanet 899, MedGen C0265221, MONDO:0000171.
Autosomal recessive limb-girdle muscular dystrophy type 2K. Also called: MUSCULAR DYSTROPHY-DYSTROGLYCANOPATHY (LIMB-GIRDLE), TYPE C, 1; MUSCULAR DYSTROPHY, LIMB-GIRDLE, TYPE 2K. Identifiers: Orphanet 86812, MedGen C1836373, MONDO:0012248, OMIM 609308.
Muscular dystrophy-dystroglycanopathy (congenital with impaired intellectual development), type B, 1. Also called: Muscular dystrophy-dystroglycanopathy (congenital with intellectual disability), type B1; MUSCULAR DYSTROPHY, CONGENITAL, POMT1-RELATED. Identifiers: MedGen C5436962, MONDO:0013159, OMIM 613155.
Inborn genetic diseases. Identifiers: MedGen C0950123, MeSH D030342.

Allele frequency attached by ClinVar (database versions not stated): gnomAD 0.00001; gnomAD exomes 0.00002; TOPMed below 0.00001.

Submissions (3):

Ambry Genetics
Classification: Uncertain significance for Inborn genetic diseases. Last evaluated: 2025-09-03. Review status: criteria provided, single submitter. Criteria: Ambry Variant Classification Scheme 2023. Collection method: clinical testing. Allele origin: germline.

Labcorp Genetics (formerly Invitae), Labcorp
Classification: Uncertain significance for Muscular dystrophy-dystroglycanopathy (congenital with impaired intellectual development), type B, 1; Walker-Warburg congenital muscular dystrophy; Autosomal recessive limb-girdle muscular dystrophy type 2K. Last evaluated: 2021-09-01. Review status: criteria provided, single submitter. Criteria: Invitae Variant Classification Sherloc (09022015). Collection method: clinical testing. Allele origin: germline.
Comment: This sequence change replaces threonine with isoleucine at codon 191 of the POMT1 protein (p.Thr191Ile). The threonine residue is weakly conserved and there is a moderate physicochemical difference between threonine and isoleucine. This variant is not present in population databases (ExAC no frequency). This variant has not been reported in the literature in individuals affected with POMT1-related conditions. Algorithms developed to predict the effect of missense changes on protein structure and function output the following: SIFT: "Tolerated"; PolyPhen-2: "Benign"; Align-GVGD: "Class C0". The isoleucine amino acid residue is found in multiple mammalian species, which suggests that this missense change does not adversely affect protein function. In summary, the available evidence is currently insufficient to determine the role of this variant in disease. Therefore, it has been classified as a Variant of Uncertain Significance.

Revvity Omics, Revvity
Classification: Uncertain significance. Last evaluated: 2020-08-27. Review status: criteria provided, single submitter. Criteria: ACMG Guidelines, 2015. Collection method: clinical testing. Allele origin: germline.